The following is an entry in ClinVar:

NM_018136.5(ASPM):c.2195T>C (p.Leu732Ser)

Gene: ASPM (assembly factor for spindle microtubules; minus strand). Cytogenetic location: 1q31.3.
Variant type: single nucleotide variant.
Coding change: c.2195T>C on transcript NM_018136.5 (MANE Select); coding-DNA position 2195, T replaced by C.
Protein change: p.Leu732Ser; replaces leucine 732 with serine.
Molecular consequence: missense variant.
Genome position (GRCh38, 1-based): chr1:197,133,574, A>G on the plus strand (T>C on the coding strand, the complement: ASPM is on the minus strand). VCF-style: chr1-197133574-A-G. GRCh37 (hg19) VCF-style: chr1-197102704-A-G.
Other names: c.2195T>C, p.Leu732Ser (NM_001206846.2); short protein forms L732S.
Identifiers: ClinVar variation 157791 (VCV000157791.13), dbSNP rs587783224, ClinGen allele CA171181.
Genomic context (GRCh38, chr1:197,133,574, plus strand): 5'-GACATTTCCTCTTTTGTAGGTGCTCTAGGAACACTTATTTTATGTTGATTCTCTATTCCC[A>G]AAAGAAGAGTAGCAGCATTTACTGGGTAAAAACAAAAGAAAGAATGTTTCTGGTTAAACA-3'
Protein context (NP_060606.3, residues 722-742): ISEVNAATLL[Leu732Ser]GIENQHKISV

ClinVar aggregate classification (germline): Conflicting classifications of pathogenicity. Review status: criteria provided, conflicting classifications (1 of 4 stars). 4 submissions from 4 submitters: Uncertain significance (3); Benign (1). Last evaluated 2024-03-04.

Conditions:
Inborn genetic diseases. Identifiers: MedGen C0950123, MeSH D030342.

Allele frequency attached by ClinVar (database versions not stated): gnomAD exomes 0.00001; TOPMed 0.00001.
gnomAD v4.1: 7 of 1,613,320 alleles (0.00043%); highest among the groups gnomAD compares: Admixed American, 0.0067%; no homozygotes.

Submissions (4):

Labcorp Genetics (formerly Invitae), Labcorp
Classification: Uncertain significance. Last evaluated: 2024-03-04. Review status: criteria provided, single submitter. Criteria: Invitae Variant Classification Sherloc (09022015). Collection method: clinical testing. Allele origin: germline.
Comment: This sequence change replaces leucine, which is neutral and non-polar, with serine, which is neutral and polar, at codon 732 of the ASPM protein (p.Leu732Ser). This variant is present in population databases (rs587783224, gnomAD 0.009%). This variant has not been reported in the literature in individuals affected with ASPM-related conditions. ClinVar contains an entry for this variant (Variation ID: 157791). Advanced modeling of protein sequence and biophysical properties (such as structural, functional, and spatial information, amino acid conservation, physicochemical variation, residue mobility, and thermodynamic stability) performed at Invitae indicates that this missense variant is not expected to disrupt ASPM protein function with a negative predictive value of 80%. In summary, the available evidence is currently insufficient to determine the role of this variant in disease. Therefore, it has been classified as a Variant of Uncertain Significance.

GeneDx
Classification: Uncertain significance. Last evaluated: 2023-10-17. Review status: criteria provided, single submitter. Criteria: GeneDx Variant Classification Process June 2021. Collection method: clinical testing. Allele origin: germline.
Comment: Reported previously with a frameshift and a missense ASPM variant in a patient with primary microcephaly, but it is not known whether the variants occurred on the same (in cis) or on different (in trans) chromosomes; the authors interpreted this missense variant as a likely normal variant (PMID: 23611254); Not observed at significant frequency in large population cohorts (gnomAD); In silico analysis supports that this missense variant has a deleterious effect on protein structure/function; Missense variant in a gene in which most reported pathogenic variants are truncating/loss of function; This variant is associated with the following publications: (PMID: 33937237, 23611254)

Ambry Genetics
Classification: Uncertain significance for Inborn genetic diseases. Last evaluated: 2022-06-17. Review status: criteria provided, single submitter. Criteria: Ambry Variant Classification Scheme 2023. Collection method: clinical testing. Allele origin: germline.

Genetic Services Laboratory, University of Chicago
Classification: Benign. Last evaluated: 2013-02-08. Review status: criteria provided, single submitter. Criteria: ACMG Guidelines, 2007. Collection method: clinical testing. Allele origin: germline. Inheritance: Autosomal recessive inheritance.